The following is an entry in ClinVar:

ClinVar aggregate classification (germline): Uncertain significance (1 of 4 stars; one submission).

Conditions:
Cardiovascular phenotype. Identifiers: MedGen CN230736.

Submission:

Ambry Genetics
Classification: Uncertain significance for Cardiovascular phenotype. Last evaluated: 2022-02-04. Review status: criteria provided, single submitter. Criteria: Ambry Variant Classification Scheme 2023. Collection method: clinical testing. Allele origin: germline.
Comment: The p.Y488C variant (also known as c.1463A>G), located in coding exon 10 of the SOS1 gene, results from an A to G substitution at nucleotide position 1463. The tyrosine at codon 488 is replaced by cysteine, an amino acid with highly dissimilar properties. This amino acid position is conserved. In addition, this alteration is predicted to be deleterious by in silico analysis. Since supporting evidence is limited at this time, the clinical significance of this alteration remains unclear.

NM_005633.4(SOS1):c.1463A>G (p.Tyr488Cys)

Gene: SOS1 (SOS Ras/Rac guanine nucleotide exchange factor 1; minus strand). Cytogenetic location: 2p22.1.
Variant type: single nucleotide variant.
Coding change: c.1463A>G on transcript NM_005633.4 (MANE Select); coding-DNA position 1463, A replaced by G.
Protein change: p.Tyr488Cys; replaces tyrosine 488 with cysteine.
Molecular consequence: missense variant.
Genome position (GRCh38, 1-based): chr2:39,022,965, T>C on the plus strand (A>G on the coding strand, the complement: SOS1 is on the minus strand). VCF-style: chr2-39022965-T-C. GRCh37 (hg19) VCF-style: chr2-39250106-T-C.
Other names: c.1442A>G, p.Tyr481Cys (NM_001382394.1); c.1463A>G, p.Tyr488Cys (NM_001382395.1); short protein forms Y481C, Y488C.
Identifiers: ClinVar variation 1773194 (VCV001773194.2), dbSNP rs2529037007, ClinGen allele CA346366119.